The following is an entry in ClinVar:

NM_022437.3(ABCG8):c.450C>A (p.His150Gln)

Gene: ABCG8 (ATP binding cassette subfamily G member 8; plus strand). Cytogenetic location: 2p21.
Variant type: single nucleotide variant.
Coding change: c.450C>A on transcript NM_022437.3 (MANE Select); coding-DNA position 450, C replaced by A.
Protein change: p.His150Gln; replaces histidine 150 with glutamine.
Molecular consequence: missense variant.
Genome position (GRCh38, 1-based): chr2:43,851,711, C>A. VCF-style: chr2-43851711-C-A. GRCh37 (hg19) VCF-style: chr2-44078850-C-A.
Other names: c.450C>A, p.His150Gln (NM_001357321.2); c.450C>A (NM_022437.2); short protein forms H150Q.
Identifiers: ClinVar variation 2734169 (VCV002734169.3), dbSNP rs200013237, ClinGen allele CA1637021.

ClinVar aggregate classification (germline): Uncertain significance. Review status: criteria provided, multiple submitters, no conflicts (2 of 4 stars). 2 submissions from 2 submitters: Uncertain significance (2). Last evaluated 2025-07-03.

Conditions:
Cardiovascular phenotype. Identifiers: MedGen CN230736.

gnomAD v4.1: 50 of 1,614,116 alleles (0.0031%); highest among the groups gnomAD compares: Non-Finnish European, 0.0042%; no homozygotes.

Submissions (2):

Ambry Genetics
Classification: Uncertain significance for Cardiovascular phenotype. Last evaluated: 2025-07-03. Review status: criteria provided, single submitter. Criteria: Ambry Variant Classification Scheme 2023. Collection method: clinical testing. Allele origin: germline.
Comment: The p.H150Q variant (also known as c.450C>A), located in coding exon 4 of the ABCG8 gene, results from a C to A substitution at nucleotide position 450. The histidine at codon 150 is replaced by glutamine, an amino acid with highly similar properties. This variant was reported in individual(s) with dyslipidemia and familial hypercholesterolemia, though patient-specific clinical data were limited (Johansen CT et al. J Lipid Res, 2014 Apr;55:765-72; Reeskamp LF et al. J Clin Lipidol, 2020 Jan;14:207-217.e7). This amino acid position is highly conserved in available vertebrate species. In addition, the in silico prediction for this alteration is inconclusive. Based on the available evidence, the clinical significance of this variant remains unclear.

Labcorp Genetics (formerly Invitae), Labcorp
Classification: Uncertain significance. Last evaluated: 2023-04-06. Review status: criteria provided, single submitter. Criteria: Invitae Variant Classification Sherloc (09022015). Collection method: clinical testing. Allele origin: germline.
Comment: This sequence change replaces histidine, which is basic and polar, with glutamine, which is neutral and polar, at codon 150 of the ABCG8 protein (p.His150Gln). This variant is present in population databases (rs200013237, gnomAD 0.003%). This missense change has been observed in individual(s) with dyslipidemia and/or familial hypercholesterolemia (PMID: 24503134, 32088153). Advanced modeling of protein sequence and biophysical properties (such as structural, functional, and spatial information, amino acid conservation, physicochemical variation, residue mobility, and thermodynamic stability) performed at Invitae indicates that this missense variant is expected to disrupt ABCG8 protein function. In summary, the available evidence is currently insufficient to determine the role of this variant in disease. Therefore, it has been classified as a Variant of Uncertain Significance.

Literature cited by the submitters: PubMed 24503134 (cited by Ambry Genetics and Labcorp Genetics (formerly Invitae), Labcorp); PubMed 32088153 (cited by Ambry Genetics and Labcorp Genetics (formerly Invitae), Labcorp).